The following is an entry in ClinVar:

ClinVar aggregate classification (germline): Uncertain significance. Review status: criteria provided, multiple submitters, no conflicts (2 of 4 stars). 3 submissions from 3 submitters: Uncertain significance (2). 1 of the submissions does not count toward it. Last evaluated 2026-01-06.

Conditions:
Autosomal recessive osteopetrosis 1. Also called: ALBERS-SCHONBERG DISEASE, AUTOSOMAL RECESSIVE; TCIRG1-Related Osteopetrosis; TCIRG1-Related Autosomal Recessive Osteopetrosis. Identifiers: Orphanet 667, MedGen C1850127, MONDO:0009815, OMIM 259700.
Inborn genetic diseases. Identifiers: MedGen C0950123, MeSH D030342.

Allele frequency attached by ClinVar (database versions not stated): gnomAD 0.00001; gnomAD exomes 0.00001 and 0.00002.
gnomAD v4.1: 10 of 1,568,762 alleles (0.00064%); highest among the groups gnomAD compares: Admixed American, 0.015%; no homozygotes.

Submissions (3):

Labcorp Genetics (formerly Invitae), Labcorp
Classification: Uncertain significance. Last evaluated: 2026-01-06. Review status: criteria provided, single submitter. Criteria: Invitae Variant Classification Sherloc (09022015). Collection method: clinical testing. Allele origin: germline.
Comment: This sequence change replaces glycine, which is neutral and non-polar, with glutamic acid, which is acidic and polar, at codon 255 of the TCIRG1 protein (p.Gly255Glu). The frequency data for this variant in the population databases is considered unreliable, as metrics indicate poor data quality at this position in the gnomAD database. This variant has not been reported in the literature in individuals affected with TCIRG1-related conditions. ClinVar contains an entry for this variant (Variation ID: 991160). An algorithm developed to predict the effect of missense changes on protein structure and function (PolyPhen-2) suggests that this variant is likely to be tolerated. In summary, the available evidence is currently insufficient to determine the role of this variant in disease. Therefore, it has been classified as a Variant of Uncertain Significance.

Ambry Genetics
Classification: Uncertain significance for Inborn genetic diseases. Last evaluated: 2023-12-28. Review status: criteria provided, single submitter. Criteria: Ambry Variant Classification Scheme 2023. Collection method: clinical testing. Allele origin: germline.

Natera, Inc.
Classification: Uncertain significance for Infantile malignant osteopetrosis. Last evaluated: 2020-08-13. Review status: no assertion criteria provided. Collection method: clinical testing. Allele origin: germline. Not counted in ClinVar's aggregate classification.

NM_006019.4(TCIRG1):c.764G>A (p.Gly255Glu)

Gene: TCIRG1 (T cell immune regulator 1, ATPase H+ transporting V0 subunit a3; plus strand). Cytogenetic location: 11q13.2.
Variant type: single nucleotide variant.
Coding change: c.764G>A on transcript NM_006019.4 (MANE Select); coding-DNA position 764, G replaced by A.
Protein change: p.Gly255Glu; replaces glycine 255 with glutamic acid.
Molecular consequence: missense variant. On other transcripts: 5 prime UTR variant (1).
Genome position (GRCh38, 1-based): chr11:68,043,864, G>A. VCF-style: chr11-68043864-G-A. GRCh37 (hg19) VCF-style: chr11-67811331-G-A.
Other names: c.764G>A (NM_006019.3); c.-131G>A (NM_001351059.2); c.116G>A, p.Gly39Glu (NM_006053.4); short protein forms G255E, G39E.
Identifiers: ClinVar variation 991160 (VCV000991160.6), dbSNP rs1379501520, ClinGen allele CA381579292.
Genomic context (GRCh38, chr11:68,043,864, plus strand): 5'-CTCCCTCCAGCTTCCACTGCCACGTCTTCCCGTTTCTGCAGCAGGAGGAGGCCCGCCTCG[G>A]GGCCCTGCAGCAGCTGCAACAGCAGAGCCAGGAGCTGCAGGAGGTGGGTGCCCCCGGCCT-3'
Protein context (NP_006010.2, residues 245-265): PFLQQEEARL[Gly255Glu]ALQQLQQQSQ